The following is an entry in ClinVar:

ClinVar aggregate classification (germline): Uncertain significance (1 of 4 stars; one submission).

Submission:

Labcorp Genetics (formerly Invitae), Labcorp
Classification: Uncertain significance. Last evaluated: 2022-01-11. Review status: criteria provided, single submitter. Criteria: Invitae Variant Classification Sherloc (09022015). Collection method: clinical testing. Allele origin: germline.
Comment: This variant has not been reported in the literature in individuals affected with CLCN7-related conditions. In summary, the available evidence is currently insufficient to determine the role of this variant in disease. Therefore, it has been classified as a Variant of Uncertain Significance. Algorithms developed to predict the effect of missense changes on protein structure and function are either unavailable or do not agree on the potential impact of this missense change (SIFT: "Tolerated"; PolyPhen-2: "Possibly Damaging"; Align-GVGD: "Class C0"). This variant is not present in population databases (gnomAD no frequency). This sequence change replaces isoleucine, which is neutral and non-polar, with threonine, which is neutral and polar, at codon 275 of the CLCN7 protein (p.Ile275Thr).

NM_001287.6(CLCN7):c.824T>C (p.Ile275Thr)

Gene: CLCN7 (chloride voltage-gated channel 7; minus strand). Cytogenetic location: 16p13.3.
Variant type: single nucleotide variant.
Coding change: c.824T>C on transcript NM_001287.6 (MANE Select); coding-DNA position 824, T replaced by C.
Protein change: p.Ile275Thr; replaces isoleucine 275 with threonine.
Molecular consequence: missense variant.
Genome position (GRCh38, 1-based): chr16:1,456,205, A>G on the plus strand (T>C on the coding strand, the complement: CLCN7 is on the minus strand). VCF-style: chr16-1456205-A-G. GRCh37 (hg19) VCF-style: chr16-1506206-A-G.
Other names: c.752T>C, p.Ile251Thr (NM_001114331.3); short protein forms I251T, I275T.
Identifiers: ClinVar variation 2067314 (VCV002067314.4), dbSNP rs2505833594, ClinGen allele CA394190519.